The following is an entry in ClinVar:

ClinVar aggregate classification (germline): Pathogenic (1 of 4 stars; one submission).

Conditions:
Cardiovascular phenotype. Identifiers: MedGen CN230736.
Hereditary cancer-predisposing syndrome. Also called: Tumor predisposition; Hereditary neoplastic syndrome; Neoplastic Syndromes, Hereditary; Hereditary Cancer Syndrome. Identifiers: Orphanet 140162, MedGen C0027672, MeSH D009386, MONDO:0015356.

Submission:

Ambry Genetics
Classification: Pathogenic for Cardiovascular phenotype; Hereditary cancer-predisposing syndrome. Last evaluated: 2025-05-09. Review status: criteria provided, single submitter. Criteria: Ambry Variant Classification Scheme 2023. Collection method: clinical testing. Allele origin: germline.
Comment: The c.26_27insAG pathogenic mutation, located in coding exon 1 of the LZTR1 gene, results from an insertion of two nucleotides at position 26, causing a translational frameshift with a predicted alternate stop codon (p.Q10Gfs*16). This alteration is expected to result in loss of function by premature protein truncation or nonsense-mediated mRNA decay. Loss-of-function variants in LZTR1 are related to an increased risk for schwannomas and autosomal recessive Noonan syndrome; however, such associations with autosomal dominant Noonan syndrome have not been observed (Piotrowski A et al. Nat Genet. 2014 Feb;46:182-7; Yamamoto GL et al. J Med Genet. 2015 Jun;52:413-21; Johnston JJ et al. Genet Med. 2018 10;20:1175-1185). Based on the supporting evidence, this variant is pathogenic for an increased risk of LZTR1-related schwannomatosis (SWN) and would be expected to cause autosomal recessive Noonan syndrome when present along with a second pathogenic or likely pathogenic variant on the other allele; however, the association of this alteration with autosomal dominant Noonan syndrome is unlikely.

NM_006767.4(LZTR1):c.26_27insAG (p.Gln10fs)

Genes: LZTR1 (leucine zipper like post translational regulator 1; plus strand), LOC130067016 (ATAC-STARR-seq lymphoblastoid silent region 13504; plus strand). Cytogenetic location: 22q11.21.
Variant type: Insertion.
Coding change: c.26_27insAG on transcript NM_006767.4 (MANE Select); coding-DNA positions 26 to 27, AG inserted.
Protein change: p.Gln10fs; shifts the reading frame from glutamine 10.
Molecular consequence: frameshift variant.
Genome position: GRCh38 VCF-style: chr22-20982396-G-GGA. GRCh37 (hg19) VCF-style: chr22-21336685-G-GGA.
Other names: short protein forms Q10fs.
Identifiers: ClinVar variation 3991232 (VCV003991232.1).
Genomic context (GRCh38, chr22:20,982,396, plus strand): 5'-GGGCTTACAGCGCGGCCGATCCGGCGTGGACCCGGGATGGCTGGACCGGGCAGCACGGGG[G>GGA]GGCAGATCGGGGCTGCGGCCCTGGCAGGCGGCGCGCGGTCCAAGGTAGCCCCGAGCGTGG-3'